The following is an entry in ClinVar:

ClinVar aggregate classification (germline): Uncertain significance (1 of 4 stars; one submission).

Conditions:
Cardiovascular phenotype. Identifiers: MedGen CN230736.

Allele frequency attached by ClinVar (database versions not stated): gnomAD exomes below 0.00001.

Submission:

Ambry Genetics
Classification: Uncertain significance for Cardiovascular phenotype. Last evaluated: 2024-01-08. Review status: criteria provided, single submitter. Criteria: Ambry Variant Classification Scheme 2023. Collection method: clinical testing. Allele origin: germline.
Comment: The p.G148S variant (also known as c.442G>A), located in coding exon 7 of the RYR2 gene, results from a G to A substitution at nucleotide position 442. The glycine at codon 148 is replaced by serine, an amino acid with similar properties. This amino acid position is highly conserved in available vertebrate species. In addition, this alteration is predicted to be deleterious by in silico analysis. Since supporting evidence is limited at this time, the clinical significance of this alteration remains unclear.

NM_001035.3(RYR2):c.442G>A (p.Gly148Ser)

Gene: RYR2 (ryanodine receptor 2; plus strand). Cytogenetic location: 1q43.
Variant type: single nucleotide variant.
Coding change: c.442G>A on transcript NM_001035.3 (MANE Select); coding-DNA position 442, G replaced by A.
Protein change: p.Gly148Ser; replaces glycine 148 with serine.
Molecular consequence: missense variant.
Genome position (GRCh38, 1-based): chr1:237,374,774, G>A. VCF-style: chr1-237374774-G-A. GRCh37 (hg19) VCF-style: chr1-237538074-G-A.
Other names: short protein forms G148S.
Identifiers: ClinVar variation 3232400 (VCV003232400.1), dbSNP rs2529941124, ClinGen allele CA345374451.
Genomic context (GRCh38, chr1:237,374,774, plus strand): 5'-TAGTATCTGTGCTGCCTGTCCACCTCCCGGTCTTCAACTGATAAGCTGGCTTTTGATGTT[G>A]GCTTGCAAGAGGACACCACAGGTAAGCATCTTGTGCTGCGGGAAGCCAGGTTCAGAGAGA-3'
Protein context (NP_001026.2, residues 138-158): SSTDKLAFDV[Gly148Ser]LQEDTTGEAC